The following is an entry in ClinVar:

ClinVar aggregate classification (germline): Likely benign (1 of 4 stars; one submission).

Submissions (2):

Women's Health and Genetics/Laboratory Corporation of America, LabCorp
Classification: Likely benign. Last evaluated: 2025-03-19. Review status: criteria provided, single submitter. Criteria: LabCorp Variant Classification Summary - May 2015. Collection method: clinical testing. Allele origin: germline.
Comment: Variant summary: BRCA1 c.31G>A (p.Val11Ile) results in a conservative amino acid change in the encoded protein sequence. Three of five in-silico tools predict a damaging effect of the variant on protein function. The frequency data for this variant in gnomAD is considered unreliable, as metrics indicate poor data quality at this position. To our knowledge, no occurrence of c.31G>A in individuals affected with Hereditary Breast And Ovarian Cancer Syndrome has been reported. At least one functional study reports experimental evidence evaluating an impact on protein function and showed no damaging effect of this variant on homology directed repair (HDR) activity (e.g. Findlay_2018). HDR assays qualify as a recognized gold standard on the basis of updated guidance provided by the ClinGen Sequence Variant Interpretation (SVI) working group. The following publication have been ascertained in the context of this evaluation (PMID: 30209399). ClinVar contains an entry for this variant (Variation ID: 865020). Based on the evidence outlined above, the variant was classified as likely benign.

Brotman Baty Institute, University of Washington
No classification provided (evidence only). Condition: Breast-ovarian cancer, familial 1. Review status: no classification provided. Collection method: in vitro. Allele origin: not applicable. Functional consequence: functionally_normal. Not counted in ClinVar's aggregate classification.
ClinVar note: "not provided" was previously submitted as the classification for the variant. However, the classification appeared to be based only on an observation of functional data so it was converted to no classification on 2025-07-30.

Literature cited by the submitters: PubMed 30209399 (cited by Women's Health and Genetics/Laboratory Corporation of America, LabCorp).

NM_007294.4(BRCA1):c.31G>A (p.Val11Ile)

Gene: BRCA1 (BRCA1 DNA repair associated; minus strand). Cytogenetic location: 17q21.31.
Variant type: single nucleotide variant.
Coding change: c.31G>A on transcript NM_007294.4 (MANE Select); coding-DNA position 31, G replaced by A.
Protein change: p.Val11Ile; replaces valine 11 with isoleucine.
Molecular consequence: missense variant. On other transcripts: 5 prime UTR variant (1), non-coding transcript variant (1).
Genome position (GRCh38, 1-based): chr17:43,124,066, C>T on the plus strand (G>A on the coding strand, the complement: BRCA1 is on the minus strand). VCF-style: chr17-43124066-C-T. GRCh37 (hg19) VCF-style: chr17-41276083-C-T.
Other names: c.-158G>A (NM_001407571.1, NM_001407853.1, NM_001407879.1 and 46 more transcripts); c.31G>A, p.Val11Ile (NM_001407581.1, NM_001407582.1, NM_001407583.1 and 193 more transcripts); c.-227G>A (NM_001407694.1, NM_001407724.1, NM_001407727.1 and 11 more transcripts); c.-231G>A (NM_001407695.1, NM_001408465.1); c.-372G>A (NM_001407696.1); c.-256G>A (NM_001407697.1, NM_001407846.1, NM_001407920.1); c.-57G>A (NM_001407698.1, NM_001407732.1, NM_001407736.1 and 23 more transcripts); c.-230G>A (NM_001407725.1, NM_001407730.1, NM_001407734.1 and 22 more transcripts); and 8 more; short protein forms V11I.
Identifiers: ClinVar variation 865020 (VCV000865020.4), dbSNP rs1555601019, ClinGen allele CA10602099.